The following is an entry in ClinVar:

ClinVar aggregate classification (germline): Uncertain significance (1 of 4 stars; one submission).

Conditions:
Spinocerebellar ataxia, autosomal recessive, with axonal neuropathy 2 (SCAN2). Also called: Ataxia-ocular apraxia-2; Ataxia with Oculomotor Apraxia; Ataxia with Oculomotor Apraxia Type 2; ATAXIA-OCULOMOTOR APRAXIA 2. Identifiers: Orphanet 64753, MedGen C1853761, MONDO:0018996, OMIM 606002.
Amyotrophic lateral sclerosis type 4 (ALS4). Also called: AMYOTROPHIC LATERAL SCLEROSIS 4, JUVENILE; NEURONOPATHY, DISTAL HEREDITARY MOTOR, WITH PYRAMIDAL FEATURES. Identifiers: Orphanet 357043, MedGen C1865409, MONDO:0011223, OMIM 602433.

Submission:

Labcorp Genetics (formerly Invitae), Labcorp
Classification: Uncertain significance for Amyotrophic lateral sclerosis type 4; Spinocerebellar ataxia, autosomal recessive, with axonal neuropathy 2. Last evaluated: 2022-06-26. Review status: criteria provided, single submitter. Criteria: Invitae Variant Classification Sherloc (09022015). Collection method: clinical testing. Allele origin: germline.
Comment: In summary, the available evidence is currently insufficient to determine the role of this variant in disease. Therefore, it has been classified as a Variant of Uncertain Significance. Advanced modeling of protein sequence and biophysical properties (such as structural, functional, and spatial information, amino acid conservation, physicochemical variation, residue mobility, and thermodynamic stability) performed at Invitae indicates that this missense variant is not expected to disrupt SETX protein function. This variant has not been reported in the literature in individuals affected with SETX-related conditions. This variant is not present in population databases (gnomAD no frequency). This sequence change replaces lysine, which is basic and polar, with methionine, which is neutral and non-polar, at codon 1225 of the SETX protein (p.Lys1225Met).

NM_015046.7(SETX):c.3674A>T (p.Lys1225Met)

Gene: SETX (senataxin; minus strand). Cytogenetic location: 9q34.13.
Variant type: single nucleotide variant.
Coding change: c.3674A>T on transcript NM_015046.7 (MANE Select); coding-DNA position 3674, A replaced by T.
Protein change: p.Lys1225Met; replaces lysine 1225 with methionine.
Molecular consequence: missense variant.
Genome position (GRCh38, 1-based): chr9:132,327,924, T>A on the plus strand (A>T on the coding strand, the complement: SETX is on the minus strand). VCF-style: chr9-132327924-T-A. GRCh37 (hg19) VCF-style: chr9-135203311-T-A.
Other names: c.3674A>T, p.Lys1225Met (NM_001351527.2, NM_001351528.2); short protein forms K1225M.
Identifiers: ClinVar variation 2010871 (VCV002010871.4), dbSNP rs756290679, ClinGen allele CA375329782.